The following is an entry in ClinVar:

NC_000001.11:g.(?_99902663)_(99902814_?)del

Gene: AGL (amylo-alpha-1,6-glucosidase and 4-alpha-glucanotransferase; plus strand). Cytogenetic location: 1p21.2.
Variant type: Deletion.
Identifiers: ClinVar variation 653523 (VCV000653523.1).

ClinVar aggregate classification (germline): Pathogenic (1 of 4 stars; one submission).

Conditions:
Glycogen storage disease type III (GSD3). Also called: Cori disease; FORBES DISEASE. Identifiers: Orphanet 366, MedGen C0017922, MONDO:0009291, OMIM 232400.

Submission:

Labcorp Genetics (formerly Invitae), Labcorp
Classification: Pathogenic for Glycogen storage disease type III. Last evaluated: 2018-07-23. Review status: criteria provided, single submitter. Criteria: Invitae Variant Classification Sherloc (09022015). Collection method: clinical testing. Allele origin: germline.
Comment: This variant is an out-of-frame deletion of the genomic region encompassing exon 27 of the AGL gene. This is expected to create a premature translational stop signal and result in an absent or disrupted protein product. This variant has not been reported in the literature in individuals with AGL-related disease. Loss-of-function variants in AGL are known to be pathogenic (PMID: 19299494). For these reasons, this variant has been classified as Pathogenic.